The following is an entry in ClinVar:

ClinVar aggregate classification (germline): Uncertain significance. Review status: criteria provided, multiple submitters, no conflicts (2 of 4 stars). 3 submissions from 3 submitters: Uncertain significance (3). Last evaluated 2026-06-09.

Conditions:
COL18A1-related disorder. Also called: COL18A1-related disorders; COL18A1-related condition.

Allele frequency attached by ClinVar (database versions not stated): gnomAD exomes 0.00001; ExAC 0.00003; TOPMed 0.00007; ESP Exome Variant Server 0.00009; gnomAD 0.00010 and 0.00011.
gnomAD v4.1: 24 of 1,603,452 alleles (0.0015%); highest among the groups gnomAD compares: African/African-American, 0.028%; no homozygotes.

Submissions (3):

PreventionGenetics, part of Exact Sciences
Classification: Uncertain significance for COL18A1-related condition. Last evaluated: 2026-06-09. Review status: criteria provided, single submitter. Criteria: ACMG Guidelines, 2015. Collection method: clinical testing. Allele origin: germline.
Comment: The COL18A1 c.3468C>G variant is not predicted to result in an amino acid change (p.=). However, this variant is predicted to activate a cryptic donor site and may alter splicing (SpliceAI, Jaganathan et al. 2019. PubMed ID: 30661751). To our knowledge, this variant has not been reported in the literature. This variant is reported in 0.034% of alleles in individuals of African descent in gnomAD. At this time, the clinical significance of this variant is uncertain due to the absence of conclusive functional and genetic evidence.

Labcorp Genetics (formerly Invitae), Labcorp
Classification: Uncertain significance. Last evaluated: 2025-12-05. Review status: criteria provided, single submitter. Criteria: Invitae Variant Classification Sherloc (09022015). Collection method: clinical testing. Allele origin: germline.
Comment: This sequence change affects codon 976 of the COL18A1 mRNA. It is a 'silent' change, meaning that it does not change the encoded amino acid sequence of the COL18A1 protein. This variant is present in population databases (rs367549674, gnomAD 0.03%). This variant has not been reported in the literature in individuals affected with COL18A1-related conditions. ClinVar contains an entry for this variant (Variation ID: 1377249). Algorithms developed to predict the effect of sequence changes on RNA splicing suggest that this variant may disrupt the consensus splice site. In summary, the available evidence is currently insufficient to determine the role of this variant in disease. Therefore, it has been classified as a Variant of Uncertain Significance.

Blueprint Genetics
Classification: Uncertain significance. Last evaluated: 2019-09-14. Review status: criteria provided, single submitter. Criteria: ACMG Guidelines, 2015. Collection method: clinical testing. Allele origin: germline.

NM_001379500.1(COL18A1):c.2937C>G (p.Gly979=)

Genes: COL18A1 (collagen type XVIII alpha 1 chain; plus strand), SLC19A1 (solute carrier family 19 member 1; minus strand). Cytogenetic location: 21q22.3.
Variant type: single nucleotide variant.
Coding change: c.2937C>G on transcript NM_001379500.1 (MANE Select); coding-DNA position 2937, C replaced by G.
Protein change: p.Gly979=; no amino-acid change (glycine 979 retained).
Molecular consequence: synonymous variant.
Genome position (GRCh38, 1-based): chr21:45,505,202, C>G. VCF-style: chr21-45505202-C-G. GRCh37 (hg19) VCF-style: chr21-46925116-C-G.
Other names: c.3468C>G, p.Gly1156= (NM_030582.4); c.4173C>G, p.Gly1391= (NM_130444.3); c.3468C>G (NM_030582.3).
Identifiers: ClinVar variation 1377249 (VCV001377249.8), dbSNP rs367549674, ClinGen allele CA10067562.